The following is an entry in ClinVar:

ClinVar aggregate classification (germline): Conflicting classifications of pathogenicity. Review status: criteria provided, conflicting classifications (1 of 4 stars). 4 submissions from 4 submitters: Uncertain significance (2); Likely benign (1). 1 of the submissions does not count toward it. Last evaluated 2026-02-03.

Conditions:
PCLO-related disorder. Also called: PCLO-related condition.
Pontocerebellar hypoplasia type 3 (PCH3). Also called: PCH WITH OPTIC ATROPHY; CEREBELLAR ATROPHY WITH PROGRESSIVE MICROCEPHALY. Identifiers: Orphanet 97249, MedGen C1842687, MONDO:0011948, OMIM 608027.

Allele frequency attached by ClinVar (database versions not stated): gnomAD exomes 0.00013 and 0.00036; ExAC 0.00047; TOPMed 0.00124; gnomAD 0.00131 and 0.00140; ESP Exome Variant Server 0.00136; 1000 Genomes Project 0.00200; 1000 Genomes Project 30x 0.00203.
gnomAD v4.1: 390 of 1,613,634 alleles (0.024%); highest among the groups gnomAD compares: African/African-American, 0.47%; 3 homozygotes.

Submissions (4):

Labcorp Genetics (formerly Invitae), Labcorp
Classification: Likely benign. Last evaluated: 2026-02-03. Review status: criteria provided, single submitter. Criteria: Invitae Variant Classification Sherloc (09022015). Collection method: clinical testing. Allele origin: germline.

GeneDx
Classification: Uncertain significance. Last evaluated: 2023-12-14. Review status: criteria provided, single submitter. Criteria: GeneDx Variant Classification Process June 2021. Collection method: clinical testing. Allele origin: germline. Affected: yes.
Comment: In silico analysis supports that this missense variant has a deleterious effect on protein structure/function; Has not been previously published as pathogenic or benign to our knowledge; Variants in candidate genes are classified as variants of uncertain significance in accordance with ACMG guidelines (Richards et al., 2015)

Baylor Genetics
Classification: Uncertain significance for Pontocerebellar hypoplasia type 3. Last evaluated: 2020-03-09. Review status: criteria provided, single submitter. Criteria: ACMG Guidelines, 2015. Collection method: clinical testing. Allele origin: unknown. Affected: yes.
Comment: This variant was determined to be of uncertain significance according to ACMG Guidelines, 2015 [PMID:25741868].

PreventionGenetics, part of Exact Sciences
Classification: Likely benign for PCLO-related condition. Last evaluated: 2022-04-27. Review status: no assertion criteria provided. Collection method: clinical testing. Allele origin: germline. Not counted in ClinVar's aggregate classification.
Comment: This variant is classified as likely benign based on ACMG/AMP sequence variant interpretation guidelines (Richards et al. 2015 PMID: 25741868, with internal and published modifications).

NM_033026.6(PCLO):c.9373G>A (p.Asp3125Asn)

Gene: PCLO (piccolo presynaptic cytomatrix protein; minus strand). Cytogenetic location: 7q21.11.
Variant type: single nucleotide variant.
Coding change: c.9373G>A on transcript NM_033026.6 (MANE Select); coding-DNA position 9373, G replaced by A.
Protein change: p.Asp3125Asn; replaces aspartic acid 3125 with asparagine.
Molecular consequence: missense variant.
Genome position (GRCh38, 1-based): chr7:82,951,215, C>T on the plus strand (G>A on the coding strand, the complement: PCLO is on the minus strand). VCF-style: chr7-82951215-C-T. GRCh37 (hg19) VCF-style: chr7-82580531-C-T.
Other names: c.9373G>A, p.Asp3125Asn (NM_014510.3); short protein forms D3125N.
Identifiers: ClinVar variation 1029005 (VCV001029005.12), dbSNP rs145077014, ClinGen allele CA4319938.